The following is an entry in ClinVar:

ClinVar aggregate classification (germline): Pathogenic (1 of 4 stars; one submission).

gnomAD v4.1: 1 of 1,614,232 alleles (0.000062%); no homozygotes.

Submission:

Labcorp Genetics (formerly Invitae), Labcorp
Classification: Pathogenic. Last evaluated: 2025-12-22. Review status: criteria provided, single submitter. Criteria: Invitae Variant Classification Sherloc (09022015). Collection method: clinical testing. Allele origin: germline.
Comment: This sequence change creates a premature translational stop signal (p.Arg41*) in the PDZD7 gene. It is expected to result in an absent or disrupted protein product. Loss-of-function variants in PDZD7 are known to be pathogenic (PMID: 20440071). This variant is not present in population databases (gnomAD no frequency). This variant has not been reported in the literature in individuals affected with PDZD7-related conditions. For these reasons, this variant has been classified as Pathogenic.

Literature cited by the submitters: PubMed 20440071.

NM_001195263.2(PDZD7):c.121C>T (p.Arg41Ter)

Gene: PDZD7 (PDZ domain containing 7; minus strand). Cytogenetic location: 10q24.31.
Variant type: single nucleotide variant.
Coding change: c.121C>T on transcript NM_001195263.2 (MANE Select); coding-DNA position 121, C replaced by T.
Protein change: p.Arg41Ter; replaces arginine 41 with a stop codon.
Molecular consequence: nonsense.
Genome position (GRCh38, 1-based): chr10:101,030,099, G>A on the plus strand (C>T on the coding strand, the complement: PDZD7 is on the minus strand). VCF-style: chr10-101030099-G-A. GRCh37 (hg19) VCF-style: chr10-102789856-G-A.
Other names: c.121C>T, p.Arg41Ter (NM_001351044.2, NM_001437429.1, NM_024895.5); short protein forms R41*.
Identifiers: ClinVar variation 4733468 (VCV004733468.1).